The following is an entry in ClinVar:

NM_001110556.2(FLNA):c.2653A>G (p.Thr885Ala)

Gene: FLNA (filamin A; minus strand). Cytogenetic location: Xq28.
Variant type: single nucleotide variant.
Coding change: c.2653A>G on transcript NM_001110556.2 (MANE Select); coding-DNA position 2653, A replaced by G.
Protein change: p.Thr885Ala; replaces threonine 885 with alanine.
Molecular consequence: missense variant.
Genome position (GRCh38, 1-based): chrX:154,362,245, T>C on the plus strand (A>G on the coding strand, the complement: FLNA is on the minus strand). VCF-style: chrX-154362245-T-C. GRCh37 (hg19) VCF-style: chrX-153590613-T-C.
Other names: c.2653A>G, p.Thr885Ala (NM_001456.4); short protein forms T885A.
Identifiers: ClinVar variation 1305822 (VCV001305822.3), dbSNP rs979539410, ClinGen allele CA337281617.

ClinVar aggregate classification (germline): Uncertain significance (1 of 4 stars; one submission).

Allele frequency attached by ClinVar (database versions not stated): gnomAD exomes below 0.00001; gnomAD 0.00001; TOPMed 0.00002.
gnomAD v4.1: 2 of 1,208,803 alleles (0.00017%); highest among the groups gnomAD compares: South Asian, 0.0018%; no homozygotes.

Submission:

GeneDx
Classification: Uncertain significance. Last evaluated: 2023-03-09. Review status: criteria provided, single submitter. Criteria: GeneDx Variant Classification Process June 2021. Collection method: clinical testing. Allele origin: germline. Affected: yes.
Comment: In silico analysis supports that this missense variant does not alter protein structure/function; Has not been previously published as pathogenic or benign to our knowledge